The following is an entry in ClinVar:

NM_000094.4(COL7A1):c.4931C>T (p.Pro1644Leu)

Gene: COL7A1 (collagen type VII alpha 1 chain; minus strand). Cytogenetic location: 3p21.31.
Variant type: single nucleotide variant.
Coding change: c.4931C>T on transcript NM_000094.4 (MANE Select); coding-DNA position 4931, C replaced by T.
Protein change: p.Pro1644Leu; replaces proline 1644 with leucine.
Molecular consequence: missense variant.
Genome position (GRCh38, 1-based): chr3:48,581,126, G>A on the plus strand (C>T on the coding strand, the complement: COL7A1 is on the minus strand). VCF-style: chr3-48581126-G-A. GRCh37 (hg19) VCF-style: chr3-48618559-G-A.
Other names: short protein forms P1644L.
Identifiers: ClinVar variation 3495784 (VCV003495784.3).

ClinVar aggregate classification (germline): Uncertain significance. Review status: criteria provided, multiple submitters, no conflicts (2 of 4 stars). 2 submissions from 2 submitters: Uncertain significance (2). Last evaluated 2024-09-26.

Conditions:
Inborn genetic diseases. Identifiers: MedGen C0950123, MeSH D030342.

Submissions (2):

Ambry Genetics
Classification: Uncertain significance for Inborn genetic diseases. Last evaluated: 2024-09-26. Review status: criteria provided, single submitter. Criteria: Ambry Variant Classification Scheme 2023. Collection method: clinical testing. Allele origin: germline.

Labcorp Genetics (formerly Invitae), Labcorp
Classification: Uncertain significance. Last evaluated: 2024-06-09. Review status: criteria provided, single submitter. Criteria: Invitae Variant Classification Sherloc (09022015). Collection method: clinical testing. Allele origin: germline.
Comment: This sequence change replaces proline, which is neutral and non-polar, with leucine, which is neutral and non-polar, at codon 1644 of the COL7A1 protein (p.Pro1644Leu). This variant is not present in population databases (gnomAD no frequency). This variant has not been reported in the literature in individuals affected with COL7A1-related conditions. Advanced modeling of protein sequence and biophysical properties (such as structural, functional, and spatial information, amino acid conservation, physicochemical variation, residue mobility, and thermodynamic stability) performed at Invitae indicates that this missense variant is not expected to disrupt COL7A1 protein function with a negative predictive value of 95%. In summary, the available evidence is currently insufficient to determine the role of this variant in disease. Therefore, it has been classified as a Variant of Uncertain Significance.